The following is an entry in ClinVar:

ClinVar aggregate classification (germline): Likely pathogenic (1 of 4 stars; one submission).

Conditions:
LAMA2-related muscular dystrophy (LAMA2-RD). Also called: Laminin alpha 2-related dystrophy. Identifiers: MedGen C5679788, MONDO:0100228.

Submission:

Myriad Genetics, Inc.
Classification: Likely pathogenic for LAMA2-related muscular dystrophy. Last evaluated: 2022-05-07. Review status: criteria provided, single submitter. Criteria: Myriad Autosomal Dominant, Autosomal Recessive and X-Linked Classification Criteria (2023). Collection method: clinical testing. Allele origin: unknown.
Comment: NM_000426.3(LAMA2):c.3421delG(E1141Kfs*41) is expected to be pathogenic in the context of muscular dystrophy, LAMA2-related. This variant is predicted to lead to an abnormal or absent protein product due to the creation of a premature termination codon in LAMA2, a gene where loss-of-function variants are known to be pathogenic. Please note: this variant was assessed in the context of healthy population screening.

NM_000426.4(LAMA2):c.3421del (p.Glu1141fs)

Gene: LAMA2 (laminin subunit alpha 2; plus strand). Cytogenetic location: 6q22.33.
Variant type: Deletion.
Coding change: c.3421del on transcript NM_000426.4 (MANE Select); coding-DNA position 3421, one base deleted (G; older notation c.3421delG).
Protein change: p.Glu1141fs; shifts the reading frame from glutamic acid 1141.
Molecular consequence: frameshift variant.
Genome position (GRCh38, 1-based): chr6:129,314,664, G deleted; the last of 2 consecutive G bases (chr6:129,314,663-129,314,664); deleting either gives the same sequence. VCF-style (leftmost placement, unchanged base first): chr6-129314662-TG-T. GRCh37 (hg19) VCF-style: chr6-129635807-TG-T.
Other names: c.3421del, p.Glu1141fs (NM_001079823.2); short protein forms E1141fs.
Identifiers: ClinVar variation 1726031 (VCV001726031.3), dbSNP rs2482409857, ClinGen allele CA2580075044.